The following is an entry in ClinVar:

ClinVar aggregate classification (germline): Uncertain significance. Review status: criteria provided, multiple submitters, no conflicts (2 of 4 stars). 2 submissions from 2 submitters: Uncertain significance (2). Last evaluated 2024-12-05.

Conditions:
Alstrom syndrome (ALMS). Identifiers: Orphanet 64, MedGen C0268425, MONDO:0008763, OMIM 203800.

Allele frequency attached by ClinVar (database versions not stated): gnomAD exomes below 0.00001 and 0.00001; ExAC 0.00001.
gnomAD v4.1: 4 of 1,613,254 alleles (0.00025%); highest among the groups gnomAD compares: Admixed American, 0.005%; no homozygotes.

Submissions (2):

GeneDx
Classification: Uncertain significance. Last evaluated: 2024-12-05. Review status: criteria provided, single submitter. Criteria: GeneDx Variant Classification Process June 2021. Collection method: clinical testing. Allele origin: germline. Affected: yes.
Comment: Not observed at significant frequency in large population cohorts (gnomAD); In silico analysis indicates that this missense variant does not alter protein structure/function; Has not been previously published as pathogenic or benign to our knowledge

Labcorp Genetics (formerly Invitae), Labcorp
Classification: Uncertain significance for Alstrom syndrome. Last evaluated: 2022-03-09. Review status: criteria provided, single submitter. Criteria: Invitae Variant Classification Sherloc (09022015). Collection method: clinical testing. Allele origin: germline.
Comment: This sequence change replaces leucine, which is neutral and non-polar, with proline, which is neutral and non-polar, at codon 1189 of the ALMS1 protein (p.Leu1189Pro). This variant is present in population databases (rs745802005, gnomAD 0.009%). This variant has not been reported in the literature in individuals affected with ALMS1-related conditions. In summary, the available evidence is currently insufficient to determine the role of this variant in disease. Therefore, it has been classified as a Variant of Uncertain Significance.

NM_001378454.1(ALMS1):c.3563T>C (p.Leu1188Pro)

Gene: ALMS1 (ALMS1 centrosome and basal body associated protein; plus strand). Cytogenetic location: 2p13.1.
Variant type: single nucleotide variant.
Coding change: c.3563T>C on transcript NM_001378454.1 (MANE Select); coding-DNA position 3563, T replaced by C.
Protein change: p.Leu1188Pro; replaces leucine 1188 with proline.
Molecular consequence: missense variant.
Genome position (GRCh38, 1-based): chr2:73,450,090, T>C. VCF-style: chr2-73450090-T-C. GRCh37 (hg19) VCF-style: chr2-73677217-T-C.
Other names: c.3566T>C, p.Leu1189Pro (NM_015120.4); short protein forms L1189P, L1188P.
Identifiers: ClinVar variation 1502234 (VCV001502234.4), dbSNP rs745802005, ClinGen allele CA1713547.